The following is an entry in ClinVar:

NM_194454.3(KRIT1):c.601C>T (p.Gln201Ter)

Gene: KRIT1 (KRIT1 ankyrin repeat containing; minus strand). Cytogenetic location: 7q21.2.
Variant type: single nucleotide variant.
Coding change: c.601C>T on transcript NM_194454.3 (MANE Select); coding-DNA position 601, C replaced by T.
Protein change: p.Gln201Ter; replaces glutamine 201 with a stop codon.
Molecular consequence: nonsense. On other transcripts: intron variant (1).
Genome position (GRCh38, 1-based): chr7:92,235,531, G>A on the plus strand (C>T on the coding strand, the complement: KRIT1 is on the minus strand). VCF-style: chr7-92235531-G-A. GRCh37 (hg19) VCF-style: chr7-91864845-G-A.
Other names: c.601C>T, p.Gln201Ter (NM_001013406.2, NM_001350669.1, NM_001350670.1 and 29 more transcripts); c.15+3C>T (NM_001350671.1); short protein forms Q201*.
Identifiers: ClinVar variation 2735052 (VCV002735052.3), dbSNP rs137853140, ClinGen allele CA368160660.

ClinVar aggregate classification (germline): Pathogenic (1 of 4 stars; one submission).

Conditions:
Cerebral cavernous malformation (CCM). Also called: CAVERNOUS ANGIOMA, FAMILIAL; CAVERNOUS ANGIOMATOUS MALFORMATIONS; CEREBRAL CAPILLARY MALFORMATIONS; Cavernous Hemangioma of Brain; Cerebral cavernous hemangioma (type); Cerebral cavernous malformations. Identifiers: Orphanet 221061, MedGen C2919945, MONDO:0000820, OMIM 116860, HP:0033522.

Submission:

Labcorp Genetics (formerly Invitae), Labcorp
Classification: Pathogenic for Cerebral cavernous malformation. Last evaluated: 2024-07-15. Review status: criteria provided, single submitter. Criteria: Invitae Variant Classification Sherloc (09022015). Collection method: clinical testing. Allele origin: germline.
Comment: This sequence change creates a premature translational stop signal (p.Gln201*) in the KRIT1 gene. It is expected to result in an absent or disrupted protein product. Loss-of-function variants in KRIT1 are known to be pathogenic (PMID: 10508515, 11222804, 12404106, 24689081). This variant is not present in population databases (gnomAD no frequency). This premature translational stop signal has been observed in individual(s) with cerebral cavernous malformations (PMID: 21029238). Algorithms developed to predict the effect of sequence changes on RNA splicing suggest that this variant may disrupt the consensus splice site. For these reasons, this variant has been classified as Pathogenic.

Literature cited by the submitters: PubMed 10508515; PubMed 11222804; PubMed 12404106; PubMed 24689081; PubMed 21029238.